The following is an entry in ClinVar:

ClinVar aggregate classification (germline): Conflicting classifications of pathogenicity. Review status: criteria provided, conflicting classifications (1 of 4 stars). 5 submissions from 5 submitters: Uncertain significance (4); Likely benign (1). Last evaluated 2025-12-03.

Conditions:
Finnish type amyloidosis. Also called: Lattice corneal dystrophy associated with familial systemic amyloidosis; Amyloidosis, familial, Finnish type; Meretoja type amyloidosis; Amyloidosis 5; AMYLOID CRANIAL NEUROPATHY WITH LATTICE CORNEAL DYSTROPHY; AMYLOIDOSIS DUE TO MUTANT GELSOLIN. Identifiers: Orphanet 85448, MedGen C1622345, MONDO:0007097, OMIM 105120.
GSN-related disorder. Also called: GSN-related condition.
Inborn genetic diseases. Identifiers: MedGen C0950123, MeSH D030342.

Allele frequency attached by ClinVar (database versions not stated): gnomAD 0.00004 and 0.00005; TOPMed 0.00006; ExAC 0.00009; gnomAD exomes 0.00009; ESP Exome Variant Server 0.00015.

Submissions (5):

Labcorp Genetics (formerly Invitae), Labcorp
Classification: Uncertain significance. Last evaluated: 2025-12-03. Review status: criteria provided, single submitter. Criteria: Invitae Variant Classification Sherloc (09022015). Collection method: clinical testing. Allele origin: germline.
Comment: This sequence change replaces valine, which is neutral and non-polar, with leucine, which is neutral and non-polar, at codon 54 of the GSN protein (p.Val54Leu). The frequency data for this variant in the population databases is considered unreliable, as metrics indicate poor data quality at this position in the gnomAD database. This variant has not been reported in the literature in individuals affected with GSN-related conditions. ClinVar contains an entry for this variant (Variation ID: 912416). An algorithm developed to predict the effect of missense changes on protein structure and function (PolyPhen-2) suggests that this variant is likely to be tolerated. In summary, the available evidence is currently insufficient to determine the role of this variant in disease. Therefore, it has been classified as a Variant of Uncertain Significance.

PreventionGenetics, part of Exact Sciences
Classification: Uncertain significance for GSN-related condition. Last evaluated: 2025-06-18. Review status: criteria provided, single submitter. Criteria: ACMG Guidelines, 2015. Collection method: clinical testing. Allele origin: germline.
Comment: The GSN c.160G>T variant is predicted to result in the amino acid substitution p.Val54Leu. To our knowledge, this variant has not been reported in the literature. This variant is reported in 0.026% of alleles in individuals of South Asian descent in gnomAD. Although we suspect that this variant may be benign, at this time, the clinical significance of this variant is uncertain due to the absence of conclusive functional and genetic evidence.

Ambry Genetics
Classification: Likely benign for Inborn genetic diseases. Last evaluated: 2024-06-03. Review status: criteria provided, single submitter. Criteria: Ambry Variant Classification Scheme 2023. Collection method: clinical testing. Allele origin: germline.

Fulgent Genetics
Classification: Uncertain significance for Finnish type amyloidosis. Last evaluated: 2024-01-20. Review status: criteria provided, single submitter. Criteria: ACMG Guidelines, 2015. Collection method: clinical testing. Allele origin: germline.

Illumina Laboratory Services, Illumina
Classification: Uncertain significance for Finnish type amyloidosis. Last evaluated: 2018-01-13. Review status: criteria provided, single submitter. Criteria: ICSL Variant Classification Criteria 13 December 2019. Collection method: clinical testing. Allele origin: germline.

NM_198252.3(GSN):c.7G>T (p.Val3Leu)

Gene: GSN (gelsolin; plus strand). Cytogenetic location: 9q33.2.
Variant type: single nucleotide variant.
Coding change: c.7G>T on transcript NM_198252.3 (MANE Select); coding-DNA position 7, G replaced by T.
Protein change: p.Val3Leu; replaces valine 3 with leucine.
Molecular consequence: missense variant. On other transcripts: intron variant (1).
Genome position (GRCh38, 1-based): chr9:121,301,978, G>T. VCF-style: chr9-121301978-G-T. GRCh37 (hg19) VCF-style: chr9-124064256-G-T.
Other names: c.160G>T, p.Val54Leu (NM_000177.5); c.7G>T, p.Val3Leu (NM_001127662.2, NM_001127664.2, NM_001127665.2 and 10 more transcripts); c.115G>T, p.Val39Leu (NM_001127663.2); c.40G>T, p.Val14Leu (NM_001127666.2, NM_001127667.2, NM_001353063.2 and 13 more transcripts); c.58G>T, p.Val20Leu (NM_001258029.2); c.31G>T, p.Val11Leu (NM_001258030.2); c.79G>T, p.Val27Leu (NM_001353076.2); c.-458-933G>T (NM_001353078.2); short protein forms V11L, V14L, V54L, V20L, V39L, V3L, V27L.
Identifiers: ClinVar variation 912416 (VCV000912416.12), dbSNP rs138068754, ClinGen allele CA5220738.